The following is an entry in ClinVar:

ClinVar aggregate classification (germline): Likely benign (1 of 4 stars; one submission).

Submission:

CeGaT Center for Human Genetics Tuebingen
Classification: Likely benign. Last evaluated: 2025-08-01. Review status: criteria provided, single submitter. Criteria: CeGaT Center For Human Genetics Tuebingen Variant Classification Criteria Version 2. Collection method: clinical testing. Allele origin: germline. Affected: yes. Observed: 1 variant allele.
Comment: SUFU: PM2:Supporting, BP4, BP7

NM_016169.4(SUFU):c.801T>C (p.Ser267=)

Gene: SUFU (SUFU negative regulator of hedgehog signaling; plus strand). Cytogenetic location: 10q24.32.
Variant type: single nucleotide variant.
Coding change: c.801T>C on transcript NM_016169.4 (MANE Select); coding-DNA position 801, T replaced by C.
Protein change: p.Ser267=; no amino-acid change (serine 267 retained).
Molecular consequence: synonymous variant.
Genome position (GRCh38, 1-based): chr10:102,597,184, T>C. VCF-style: chr10-102597184-T-C. GRCh37 (hg19) VCF-style: chr10-104356941-T-C.
Other names: c.801T>C, p.Ser267= (NM_001178133.2).
Identifiers: ClinVar variation 4083939 (VCV004083939.8).
Genomic context (GRCh38, chr10:102,597,184, plus strand): 5'-GGTTCTTTTCAAGCAGGAGAGAGTTGACAAAGGCATCGAGACAGATGGCTCCAACCTGAG[T>C]GGTGTCAGTGCCAAGTGTGCCTGGGATGACCTGAGCCGGCCCCCCGAGGATGACGAGGAC-3'
Protein context (NP_057253.2, residues 257-277): KGIETDGSNL[Ser267=]GVSAKCAWDD